The following is an entry in ClinVar:

ClinVar aggregate classification (germline): Uncertain significance (0 of 4 stars; one submission).

Conditions:
Hypogonadotropic hypogonadism 9 with or without anosmia (HH9). Also called: NELF-Related Hypogonadotropic Hypogonadism; HYPOGONADOTROPIC HYPOGONADISM 9 WITHOUT ANOSMIA, SUSCEPTIBILITY TO; HYPOGONADOTROPIC HYPOGONADISM 9 WITH ANOSMIA, SUSCEPTIBILITY TO. Identifiers: Orphanet 478, MedGen C3553842, MONDO:0013911, OMIM 614838.

Submission:

Genetics Department, Polish Mother's Memorial Hospital Research Institute
Classification: Uncertain significance for Hypogonadotropic hypogonadism 9 with or without anosmia. Last evaluated: 2019-06-11. Review status: no assertion criteria provided. Collection method: research. Allele origin: maternal. Affected: yes.
Comment: variant was observed in trigenic combination with variant in SPRY4 gene( ClinVar:RCV000043614.3) and variant in PROKR2 gene (NM_001130969.1:c.1261C>T, MIM:614838) in oligogenic pattern of inheritance for idiopatic hypogonadotropic hypogonadism/Kallmann syndrome

NM_001130969.3(NSMF):c.1261C>T (p.Leu421Phe)

Genes: NSMF (NMDA receptor synaptonuclear signaling and neuronal migration factor; minus strand), LOC126860797 (MED14-independent group 3 enhancer GRCh37_chr9:140343721-140344920; plus strand). Cytogenetic location: 9q34.3.
Variant type: single nucleotide variant.
Coding change: c.1261C>T on transcript NM_001130969.3 (MANE Select); coding-DNA position 1261, C replaced by T.
Protein change: p.Leu421Phe; replaces leucine 421 with phenylalanine.
Molecular consequence: missense variant.
Genome position (GRCh38, 1-based): chr9:137,450,231, G>A on the plus strand (C>T on the coding strand, the complement: NSMF is on the minus strand). VCF-style: chr9-137450231-G-A. GRCh37 (hg19) VCF-style: chr9-140344683-G-A.
Other names: c.1192C>T, p.Leu398Phe (NM_001130970.2); c.1186C>T, p.Leu396Phe (NM_001130971.2); c.1171C>T, p.Leu391Phe (NM_001178064.2); c.1255C>T, p.Leu419Phe (NM_015537.5); short protein forms L421F, L391F, L396F, L419F, L398F.
Identifiers: ClinVar variation 638190 (VCV000638190.3), dbSNP rs1588492186, ClinGen allele CA375755707.